The following is an entry in ClinVar:

ClinVar aggregate classification (germline): Likely pathogenic (1 of 4 stars; one submission).

Submission:

Labcorp Genetics (formerly Invitae), Labcorp
Classification: Likely pathogenic. Last evaluated: 2023-08-05. Review status: criteria provided, single submitter. Criteria: Invitae Variant Classification Sherloc (09022015). Collection method: clinical testing. Allele origin: germline.
Comment: This sequence change replaces histidine, which is basic and polar, with asparagine, which is neutral and polar, at codon 235 of the FH protein (p.His235Asn). This variant is not present in population databases (gnomAD no frequency). This variant has not been reported in the literature in individuals affected with FH-related conditions. Advanced modeling of protein sequence and biophysical properties (such as structural, functional, and spatial information, amino acid conservation, physicochemical variation, residue mobility, and thermodynamic stability) performed at Invitae indicates that this missense variant is expected to disrupt FH protein function. This variant disrupts the p.His235 amino acid residue in FH. Other variant(s) that disrupt this residue have been determined to be pathogenic (PMID: 21398687). This suggests that this residue is clinically significant, and that variants that disrupt this residue are likely to be disease-causing. In summary, the currently available evidence indicates that the variant is pathogenic, but additional data are needed to prove that conclusively. Therefore, this variant has been classified as Likely Pathogenic.

Literature cited by the submitters: PubMed 21398687.

NM_000143.4(FH):c.703C>A (p.His235Asn)

Gene: FH (fumarate hydratase; minus strand). Cytogenetic location: 1q43.
Variant type: single nucleotide variant.
Coding change: c.703C>A on transcript NM_000143.4 (MANE Select); coding-DNA position 703, C replaced by A.
Protein change: p.His235Asn; replaces histidine 235 with asparagine.
Molecular consequence: missense variant.
Genome position (GRCh38, 1-based): chr1:241,508,638, G>T on the plus strand (C>A on the coding strand, the complement: FH is on the minus strand). VCF-style: chr1-241508638-G-T. GRCh37 (hg19) VCF-style: chr1-241671938-G-T.
Other names: short protein forms H235N.
Identifiers: ClinVar variation 2750502 (VCV002750502.3), dbSNP rs863223968, ClinGen allele CA345439213.